The following is an entry in ClinVar:

NM_182760.4(SUMF1):c.67C>T (p.Leu23=)

Gene: SUMF1 (sulfatase modifying factor 1; minus strand). Cytogenetic location: 3p26.1.
Variant type: single nucleotide variant.
Coding change: c.67C>T on transcript NM_182760.4 (MANE Select); coding-DNA position 67, C replaced by T.
Protein change: p.Leu23=; no amino-acid change (leucine 23 retained).
Molecular consequence: synonymous variant.
Genome position (GRCh38, 1-based): chr3:4,467,179, G>A on the plus strand (C>T on the coding strand, the complement: SUMF1 is on the minus strand). VCF-style: chr3-4467179-G-A. GRCh37 (hg19) VCF-style: chr3-4508863-G-A.
Other names: c.67C>T, p.Leu23= (NM_001164674.2, NM_001164675.2).
Identifiers: ClinVar variation 5040534 (VCV005040534.1).
Genomic context (GRCh38, chr3:4,467,179, plus strand): 5'-CGCCCGCACCGGTCCCGGCCTCCTGGCTCCCTGCCGCTCCACACAGCAGCGAGAGCAGCA[G>A]CAGCAAGAGGACGAGACCCAGCTCAGGGCAACGTCCACACACCAGCCCTAGTGCGGGCGC-3'
Protein context (NP_877437.2, residues 13-33): CPELGLVLLL[Leu23=]LLSLLCGAAG

ClinVar aggregate classification (germline): Likely benign (1 of 4 stars; one submission).

gnomAD v4.1: 1 of 1,609,556 alleles (0.000062%); highest among the groups gnomAD compares: Non-Finnish European, 0.000085%; no homozygotes.

Submission:

CeGaT Center for Human Genetics Tuebingen
Classification: Likely benign. Last evaluated: 2026-08-01. Review status: criteria provided, single submitter. Criteria: CeGaT Center For Human Genetics Tuebingen Variant Classification Criteria Version 2. Collection method: clinical testing. Allele origin: germline. Affected: yes. Observed: 1 variant allele.
Comment: SUMF1: BP4, BP7